The following is an entry in ClinVar:

ClinVar aggregate classification (germline): Uncertain significance. Review status: criteria provided, single submitter (1 of 4 stars). 2 submissions from 2 submitters: Uncertain significance (1). 1 of the submissions does not count toward it. Last evaluated 2024-09-18.

Conditions:
Hereditary cancer-predisposing syndrome. Also called: Hereditary Cancer Syndrome; Hereditary neoplastic syndrome; Neoplastic Syndromes, Hereditary; Tumor predisposition. Identifiers: Orphanet 140162, MedGen C0027672, MeSH D009386, MONDO:0015356.
PTCH1-related disorder. Also called: PTCH1-related disorders; PTCH1-related condition.

Submissions (2):

Ambry Genetics
Classification: Uncertain significance for Hereditary cancer-predisposing syndrome. Last evaluated: 2024-09-18. Review status: criteria provided, single submitter. Criteria: Ambry Variant Classification Scheme 2023. Collection method: clinical testing. Allele origin: germline.
Comment: The c.-15_-4dup12 variant is located in the 5 prime untranslated region (5'UTR) of the PTCH1 gene. This variant results from a duplication of 12 nucleotides at nucleotide positions -15 to -4 upstream from the first translated codon. This nucleotide region is well conserved in available vertebrate species. Based on the available evidence, the clinical significance of this variant remains unclear.

PreventionGenetics, part of Exact Sciences
Classification: Likely benign for PTCH1-related condition. Last evaluated: 2019-11-19. Review status: no assertion criteria provided. Collection method: clinical testing. Allele origin: germline. Not counted in ClinVar's aggregate classification.
Comment: This variant is classified as likely benign based on ACMG/AMP sequence variant interpretation guidelines (Richards et al. 2015 PMID: 25741868, with internal and published modifications).

NM_000264.5(PTCH1):c.-24GGC[11]

Genes: PTCH1 (patched 1; minus strand), LOC130002133 (ATAC-STARR-seq lymphoblastoid silent region 20071; plus strand). Cytogenetic location: 9q22.32.
Variant type: Microsatellite.
Coding change: c.-24GGC[11] on transcript NM_000264.5 (MANE Select); 11 copies in a row of the 3-base unit GGC starting at c.-24; the reference has seven copies in a row; four copies, 12 bases duplicated.
Molecular consequence: 5 prime UTR variant. On other transcripts: non-coding transcript variant (1), intron variant (3).
Genome position (GRCh38, 1-based): chr9:95,508,365-95,508,376, GCCGCCGCCGCC duplicated on the plus strand (GGCGGCGGCGGC on the coding strand, the reverse complement: PTCH1 is on the minus strand); duplicating any 12 consecutive bases within chr9:95,508,365-95,508,387 gives the same sequence; the position shown is the placement nearest the transcript's 3' end. VCF-style (leftmost placement, unchanged base first): chr9-95508364-T-TGCCGCCGCCGCC. GRCh37 (hg19) VCF-style: chr9-98270646-T-TGCCGCCGCCGCC.
Other names: c.-15_-4dupGGCGGCGGCGGC (NM_000264.3); c.-26_-24GCG[11] (NM_000264.3); c.-24GGC[11] (NM_001354918.2); c.199-1786GGC[11] (NM_001083603.3); c.4-1786GGC[11] (NM_001083602.3, NM_001354919.2); c.4-1777_4-1766dup12 (NM_001354919.1).
Identifiers: ClinVar variation 1773993 (VCV001773993.5), dbSNP rs71366293, ClinGen allele CA1126998957.
Genomic context (GRCh38, chr9:95,508,364, plus strand): 5'-AGCCGCTGCCGCCGCCGCCGCGGTCCTGGGGCTCGGCGGCGTTACCAGCCGAGGCCATGT[T>TGCCGCCGCCGCC]GCCGCCGCCGCCGCCGCCGCCGCGGGGACGGAGGCTTCCCGGGCGGCCCGGCGCGCTGCT-3'